The following is an entry in ClinVar:

ClinVar aggregate classification (germline): Uncertain significance (1 of 4 stars; one submission).

Allele frequency attached by ClinVar (database versions not stated): ExAC 0.00001; gnomAD exomes 0.00001; TOPMed 0.00002.
gnomAD v4.1: 3 of 1,613,316 alleles (0.00019%); highest among the groups gnomAD compares: Admixed American, 0.005%; no homozygotes.

Submission:

Labcorp Genetics (formerly Invitae), Labcorp
Classification: Uncertain significance. Last evaluated: 2022-03-18. Review status: criteria provided, single submitter. Criteria: Invitae Variant Classification Sherloc (09022015). Collection method: clinical testing. Allele origin: germline.
Comment: Algorithms developed to predict the effect of sequence changes on RNA splicing suggest that this variant may disrupt the consensus splice site. This sequence change falls in intron 11 of the COQ8A gene. It does not directly change the encoded amino acid sequence of the COQ8A protein. This variant is present in population databases (rs767236282, gnomAD 0.009%). This variant has not been reported in the literature in individuals affected with COQ8A-related conditions. In summary, the available evidence is currently insufficient to determine the role of this variant in disease. Therefore, it has been classified as a Variant of Uncertain Significance.

NM_020247.5(COQ8A):c.1398+13C>T

Gene: COQ8A (coenzyme Q8A; plus strand). Cytogenetic location: 1q42.13.
Variant type: single nucleotide variant.
Coding change: c.1398+13C>T on transcript NM_020247.5 (MANE Select); 13 bases into the intron after coding-DNA position 1398, C replaced by T.
Molecular consequence: intron variant.
Genome position (GRCh38, 1-based): chr1:226,984,248, C>T. VCF-style: chr1-226984248-C-T. GRCh37 (hg19) VCF-style: chr1-227171949-C-T.
Identifiers: ClinVar variation 1926101 (VCV001926101.5), dbSNP rs767236282, ClinGen allele CA1425465.